The following is an entry in ClinVar:

NM_000127.3(EXT1):c.1147G>T (p.Glu383Ter)

Gene: EXT1 (exostosin glycosyltransferase 1; minus strand). Cytogenetic location: 8q24.11.
Variant type: single nucleotide variant.
Coding change: c.1147G>T on transcript NM_000127.3 (MANE Select); coding-DNA position 1147, G replaced by T.
Protein change: p.Glu383Ter; replaces glutamic acid 383 with a stop codon.
Molecular consequence: nonsense.
Genome position (GRCh38, 1-based): chr8:117,835,461, C>A on the plus strand (G>T on the coding strand, the complement: EXT1 is on the minus strand). VCF-style: chr8-117835461-C-A. GRCh37 (hg19) VCF-style: chr8-118847700-C-A.
Other names: short protein forms E383*.
Identifiers: ClinVar variation 379236 (VCV000379236.2), dbSNP rs1057520535, ClinGen allele CA16605944.
Genomic context (GRCh38, chr8:117,835,461, plus strand): 5'-CAATAATCTGCTGATGTGTTGAAGGCCACAGCCCCTTCCTTACCTGTAATAACAATCTCT[C>A]ATCGCCTATGACGGCAGCTTGGTTCCAATTAATCACTTCAGAGAATGGCAACTCCCATCC-3'

ClinVar aggregate classification (germline): Pathogenic (1 of 4 stars; one submission).

Submission:

GeneDx
Classification: Pathogenic. Last evaluated: 2015-03-09. Review status: criteria provided, single submitter. Criteria: GeneDx Variant Classification (06012015). Collection method: clinical testing. Allele origin: germline. Affected: yes.
Comment: The E383X nonsense variant in the EXT1 gene is predicted to cause loss of normal protein functioneither through protein truncation or nonsense-mediated mRNA decay. It was not observed inapproximately 6,500 individuals of European and African American ancestry in the NHLBI ExomeSequencing Project, indicating it is not a common benign variant in these populations. Also, a nearbynonsense variant (L386X) and other nonsense variants have been reported in the Human GeneMutation Database in association with EXT1-related disorders (Stenson et al., 2014). Although thisvariant has not been reported previously to our knowledge, we consider it to be pathogenic.